The following is an entry in ClinVar:

NM_182914.3(SYNE2):c.16127A>G (p.Gln5376Arg)

Gene: SYNE2 (spectrin repeat containing nuclear envelope protein 2; plus strand). Cytogenetic location: 14q23.2.
Variant type: single nucleotide variant.
Coding change: c.16127A>G on transcript NM_182914.3 (MANE Select); coding-DNA position 16127, A replaced by G.
Protein change: p.Gln5376Arg; replaces glutamine 5376 with arginine.
Molecular consequence: missense variant.
Genome position (GRCh38, 1-based): chr14:64,162,104, A>G. VCF-style: chr14-64162104-A-G. GRCh37 (hg19) VCF-style: chr14-64628822-A-G.
Other names: c.16127A>G, p.Gln5376Arg (NM_015180.6); short protein forms Q5376R.
Identifiers: ClinVar variation 313614 (VCV000313614.13), dbSNP rs753646712, ClinGen allele CA7223284.

ClinVar aggregate classification (germline): Conflicting classifications of pathogenicity. Review status: criteria provided, conflicting classifications (1 of 4 stars). 3 submissions from 3 submitters: Uncertain significance (2); Likely benign (1). Last evaluated 2025-08-23.

Conditions:
Emery-Dreifuss muscular dystrophy 5, autosomal dominant (EDMD5). Also called: EMERY-DREIFUSS MUSCULAR DYSTROPHY 5. Identifiers: Orphanet 261, MedGen C2751805, MONDO:0013072, OMIM 612999.

Allele frequency attached by ClinVar (database versions not stated): ExAC 0.00002; gnomAD exomes 0.00003 and 0.00004; TOPMed 0.00005; gnomAD 0.00007 and 0.00008.
gnomAD v4.1: 70 of 1,614,106 alleles (0.0043%); highest among the groups gnomAD compares: Non-Finnish European, 0.0056%; no homozygotes.

Submissions (3):

Ambry Genetics
Classification: Uncertain significance. Last evaluated: 2025-08-23. Review status: criteria provided, single submitter. Criteria: Ambry Variant Classification Scheme 2023. Collection method: clinical testing. Allele origin: germline.

Labcorp Genetics (formerly Invitae), Labcorp
Classification: Uncertain significance for Emery-Dreifuss muscular dystrophy 5, autosomal dominant. Last evaluated: 2025-06-18. Review status: criteria provided, single submitter. Criteria: Invitae Variant Classification Sherloc (09022015). Collection method: clinical testing. Allele origin: germline.
Comment: This sequence change replaces glutamine, which is neutral and polar, with arginine, which is basic and polar, at codon 5376 of the SYNE2 protein (p.Gln5376Arg). This variant is present in population databases (rs753646712, gnomAD 0.009%). This variant has not been reported in the literature in individuals affected with SYNE2-related conditions. ClinVar contains an entry for this variant (Variation ID: 313614). An algorithm developed to predict the effect of missense changes on protein structure and function (PolyPhen-2) suggests that this variant is likely to be tolerated. In summary, the available evidence is currently insufficient to determine the role of this variant in disease. Therefore, it has been classified as a Variant of Uncertain Significance.

Illumina Laboratory Services, Illumina
Classification: Likely benign for Emery-Dreifuss muscular dystrophy 5, autosomal dominant. Last evaluated: 2018-01-13. Review status: criteria provided, single submitter. Criteria: ICSL Variant Classification Criteria 13 December 2019. Collection method: clinical testing. Allele origin: germline.
Comment: This variant was observed in the ICSL laboratory as part of a predisposition screen in an ostensibly healthy population. It had not been previously curated by ICSL or reported in the Human Gene Mutation Database (HGMD: prior to June 1st, 2018), and was therefore a candidate for classification through an automated scoring system. Utilizing variant allele frequency, disease prevalence and penetrance estimates, and inheritance mode, an automated score was calculated to assess if this variant is too frequent to cause the disease. Based on the score and internal cut-off values, a variant classified as likely benign is not then subjected to further curation. The score for this variant resulted in a classification of likely benign for this disease.